The following is an entry in ClinVar:

ClinVar aggregate classification (germline): Uncertain significance. Review status: criteria provided, multiple submitters, no conflicts (2 of 4 stars). 2 submissions from 2 submitters: Uncertain significance (2). Last evaluated 2025-06-17.

Conditions:
Colorectal cancer. Also called: Colorectal cancer, somatic; Malignant Colorectal Neoplasm. Identifiers: MedGen C0346629, MONDO:0005575, OMIM 114500.

gnomAD v4.1: 9 of 1,614,074 alleles (0.00056%); highest among the groups gnomAD compares: Admixed American, 0.0067%; no homozygotes.

Submissions (2):

Labcorp Genetics (formerly Invitae), Labcorp
Classification: Uncertain significance. Last evaluated: 2025-06-17. Review status: criteria provided, single submitter. Criteria: Invitae Variant Classification Sherloc (09022015). Collection method: clinical testing. Allele origin: germline.
Comment: This sequence change replaces arginine, which is basic and polar, with cysteine, which is neutral and slightly polar, at codon 665 of the DLC1 protein (p.Arg665Cys). This variant is not present in population databases (gnomAD no frequency). This variant has not been reported in the literature in individuals affected with DLC1-related conditions. ClinVar contains an entry for this variant (Variation ID: 3595144). An algorithm developed to predict the effect of missense changes on protein structure and function (PolyPhen-2) suggests that this variant is likely to be disruptive. In summary, the available evidence is currently insufficient to determine the role of this variant in disease. Therefore, it has been classified as a Variant of Uncertain Significance.

Fulgent Genetics
Classification: Uncertain significance for Colorectal cancer. Last evaluated: 2024-04-22. Review status: criteria provided, single submitter. Criteria: ACMG Guidelines, 2015. Collection method: clinical testing. Allele origin: germline.

NM_182643.3(DLC1):c.1993C>T (p.Arg665Cys)

Gene: DLC1 (DLC1 Rho GTPase activating protein; minus strand). Cytogenetic location: 8p22.
Variant type: single nucleotide variant.
Coding change: c.1993C>T on transcript NM_182643.3 (MANE Select); coding-DNA position 1993, C replaced by T.
Protein change: p.Arg665Cys; replaces arginine 665 with cysteine.
Molecular consequence: missense variant.
Genome position (GRCh38, 1-based): chr8:13,100,344, G>A on the plus strand (C>T on the coding strand, the complement: DLC1 is on the minus strand). VCF-style: chr8-13100344-G-A. GRCh37 (hg19) VCF-style: chr8-12957853-G-A.
Other names: c.460C>T, p.Arg154Cys (NM_001164271.2, NM_001348082.2, NM_001348083.1 and 6 more transcripts); c.784C>T, p.Arg262Cys (NM_001316668.2, NM_001413129.1); c.1993C>T, p.Arg665Cys (NM_001348081.2, NM_001413124.1); c.775C>T, p.Arg259Cys (NM_001413130.1); c.433C>T, p.Arg145Cys (NM_001413131.1, NM_001413137.1); c.919C>T, p.Arg307Cys (NM_001413132.1); c.682C>T, p.Arg228Cys (NM_001413135.1, NM_001413136.1, NM_001413139.1 and 1 more transcripts); c.817C>T, p.Arg273Cys (NM_001413140.1); short protein forms R262C, R154C, R273C, R665C, R145C, R307C, R228C, R259C.
Identifiers: ClinVar variation 3595144 (VCV003595144.2).